The following is an entry in ClinVar:

NM_001035.3(RYR2):c.9689A>G (p.Gln3230Arg)

Gene: RYR2 (ryanodine receptor 2; plus strand). Cytogenetic location: 1q43.
Variant type: single nucleotide variant.
Coding change: c.9689A>G on transcript NM_001035.3 (MANE Select); coding-DNA position 9689, A replaced by G.
Protein change: p.Gln3230Arg; replaces glutamine 3230 with arginine.
Molecular consequence: missense variant.
Genome position (GRCh38, 1-based): chr1:237,707,057, A>G. VCF-style: chr1-237707057-A-G. GRCh37 (hg19) VCF-style: chr1-237870357-A-G.
Other names: short protein forms Q3230R.
Identifiers: ClinVar variation 4800104 (VCV004800104.1).
Genomic context (GRCh38, chr1:237,707,057, plus strand): 5'-CTTTGGAGAAACTCATGGAAGAAATCGTGGAATTAGCCGAGTCCGGCATTCGCTACACTC[A>G]AATGCCACATGTCATGGAAGTCATACTGCCCATGCTTTGCAGCTACATGTCTCGTTGGTG-3'
Protein context (NP_001026.2, residues 3220-3240): ELAESGIRYT[Gln3230Arg]MPHVMEVILP

ClinVar aggregate classification (germline): Likely pathogenic (1 of 4 stars; one submission).

Conditions:
Catecholaminergic polymorphic ventricular tachycardia 1. Also called: VENTRICULAR TACHYCARDIA, STRESS-INDUCED POLYMORPHIC 1; RYR2-Related Catecholaminergic Polymorphic Ventricular Tachycardia; VENTRICULAR TACHYCARDIA, CATECHOLAMINERGIC POLYMORPHIC, 1, WITH OR WITHOUT ATRIAL DYSFUNCTION AND/OR DILATED CARDIOMYOPATHY. Identifiers: Orphanet 3286, MedGen C1631597, MONDO:0011484, OMIM 604772.

Submission:

Labcorp Genetics (formerly Invitae), Labcorp
Classification: Likely pathogenic for Catecholaminergic polymorphic ventricular tachycardia 1. Last evaluated: 2025-08-06. Review status: criteria provided, single submitter. Criteria: Invitae Variant Classification Sherloc (09022015). Collection method: clinical testing. Allele origin: germline.
Comment: This sequence change replaces glutamine, which is neutral and polar, with arginine, which is basic and polar, at codon 3230 of the RYR2 protein (p.Gln3230Arg). This variant is not present in population databases (gnomAD no frequency). This missense change has been observed in individual(s) with autosomal dominant RYR2-related conditions (internal data). In at least one individual the variant was observed to be de novo. Invitae Evidence Modeling of protein sequence and biophysical properties (such as structural, functional, and spatial information, amino acid conservation, physicochemical variation, residue mobility, and thermodynamic stability) indicates that this missense variant is not expected to disrupt RYR2 protein function with a negative predictive value of 95%. In summary, the currently available evidence indicates that the variant is pathogenic, but additional data are needed to prove that conclusively. Therefore, this variant has been classified as Likely Pathogenic.